The following is an entry in ClinVar:

NM_000214.3(JAG1):c.587G>C (p.Cys196Ser)

Gene: JAG1 (jagged canonical Notch ligand 1; minus strand). Cytogenetic location: 20p12.2.
Variant type: single nucleotide variant.
Coding change: c.587G>C on transcript NM_000214.3 (MANE Select); coding-DNA position 587, G replaced by C.
Protein change: p.Cys196Ser; replaces cysteine 196 with serine.
Molecular consequence: missense variant.
Genome position (GRCh38, 1-based): chr20:10,658,575, C>G on the plus strand (G>C on the coding strand, the complement: JAG1 is on the minus strand). VCF-style: chr20-10658575-C-G. GRCh37 (hg19) VCF-style: chr20-10639223-C-G.
Other names: short protein forms C196S.
Identifiers: ClinVar variation 3573071 (VCV003573071.2).

Conditions:
Arteriohepatic dysplasia. Also called: Alagille Syndrome. Identifiers: Orphanet 52, MedGen C0085280, MeSH D016738, MONDO:0007318.

Submission:

Gilbert/Spinner Lab, Children's Hospital of Philadelphia
No classification provided (evidence only). Condition: Alagille syndrome. Review status: no classification provided. Collection method: research. Allele origin: not applicable. Functional consequence: functionally_abnormal.
ClinVar note: "not provided" was previously submitted as the classification for the variant. However, the classification appeared to be based only on an observation of functional data so it was converted to no classification on 2025-07-30.